The following is an entry in ClinVar:

NM_000070.3(CAPN3):c.806del (p.Gly269fs)

Gene: CAPN3 (calpain 3; plus strand). Cytogenetic location: 15q15.1.
Variant type: Deletion.
Coding change: c.806del on transcript NM_000070.3 (MANE Select); coding-DNA position 806, one base deleted (G; older notation c.806delG).
Protein change: p.Gly269fs; shifts the reading frame from glycine 269.
Molecular consequence: frameshift variant. On other transcripts: intron variant (1).
Genome position (GRCh38, 1-based): chr15:42,389,957, G deleted; the last of 2 consecutive G bases (chr15:42,389,956-42,389,957); deleting either gives the same sequence. VCF-style (leftmost placement, unchanged base first): chr15-42389955-TG-T. GRCh37 (hg19) VCF-style: chr15-42682153-TG-T.
Other names: c.806del, p.Gly269fs (NM_024344.2); c.801+861del (NM_173087.2); short protein forms G269fs.
Identifiers: ClinVar variation 845509 (VCV000845509.8), dbSNP rs2053509916, ClinGen allele CA916083414.

ClinVar aggregate classification (germline): Pathogenic (1 of 4 stars; one submission).

Conditions:
Autosomal recessive limb-girdle muscular dystrophy type 2A (LGMDR1). Also called: MUSCULAR DYSTROPHY, PELVOFEMORAL; Limb-girdle muscular dystrophy, type 2A; Muscular dystrophy, limb-girdle, type 2A, Amish; LEYDEN-MOEBIUS MUSCULAR DYSTROPHY; Calpainopathy. Identifiers: Orphanet 267, MedGen C1869123, MONDO:0009675, OMIM 253600. Disease mechanism: loss of function.

Submission:

Labcorp Genetics (formerly Invitae), Labcorp
Classification: Pathogenic for Autosomal recessive limb-girdle muscular dystrophy type 2A. Last evaluated: 2023-10-13. Review status: criteria provided, single submitter. Criteria: Invitae Variant Classification Sherloc (09022015). Collection method: clinical testing. Allele origin: germline.
Comment: This sequence change creates a premature translational stop signal (p.Gly269Alafs*4) in the CAPN3 gene. It is expected to result in an absent or disrupted protein product. Loss-of-function variants in CAPN3 are known to be pathogenic (PMID: 10330340, 15689361). This variant is not present in population databases (gnomAD no frequency). This variant has not been reported in the literature in individuals affected with CAPN3-related conditions. ClinVar contains an entry for this variant (Variation ID: 845509). For these reasons, this variant has been classified as Pathogenic.

Literature cited by the submitters: PubMed 10330340; PubMed 15689361.